The following is an entry in ClinVar:

NM_000478.6(ALPL):c.1465T>A (p.Cys489Ser)

Gene: ALPL (alkaline phosphatase, biomineralization associated; plus strand). Cytogenetic location: 1p36.12.
Variant type: single nucleotide variant.
Coding change: c.1465T>A on transcript NM_000478.6 (MANE Select); coding-DNA position 1465, T replaced by A.
Protein change: p.Cys489Ser; replaces cysteine 489 with serine.
Molecular consequence: missense variant.
Genome position (GRCh38, 1-based): chr1:21,577,538, T>A. VCF-style: chr1-21577538-T-A. GRCh37 (hg19) VCF-style: chr1-21904031-T-A.
Other names: c.1300T>A, p.Cys434Ser (NM_001127501.4); c.1234T>A, p.Cys412Ser (NM_001177520.3); c.1465T>A, p.Cys489Ser (NM_001369803.2, NM_001369804.2, NM_001369805.2); short protein forms C412S, C434S, C489S.
Identifiers: ClinVar variation 3234084 (VCV003234084.1), dbSNP rs2545351407, ClinGen allele CA338882298.

ClinVar aggregate classification (germline): Pathogenic (1 of 4 stars; one submission).

Conditions:
Adult hypophosphatasia. Identifiers: Orphanet 247676, Orphanet 436, MedGen C0268413, MONDO:1010154, OMIM 146300, MONDO:0007798.

Submission:

MVZ Medizinische Genetik Mainz
Classification: Pathogenic for Adult hypophosphatasia. Last evaluated: 2021-10-01. Review status: criteria provided, single submitter. Criteria: UK Practice Guidelines For Variant Classification V4 01 2020. Collection method: clinical testing. Allele origin: germline. Inheritance: Autosomal dominant inheritance. Observed: 1 variant allele.
Comment: ACMG Criteria: PS1, PM1_STR, PM2_SUP, PP3, PP4